The following is an entry in ClinVar:

NM_020987.5(ANK3):c.382A>G (p.Thr128Ala)

Gene: ANK3 (ankyrin 3; minus strand). Cytogenetic location: 10q21.2.
Variant type: single nucleotide variant.
Coding change: c.382A>G on transcript NM_020987.5 (MANE Select); coding-DNA position 382, A replaced by G.
Protein change: p.Thr128Ala; replaces threonine 128 with alanine.
Molecular consequence: missense variant.
Genome position (GRCh38, 1-based): chr10:60,278,806, T>C on the plus strand (A>G on the coding strand, the complement: ANK3 is on the minus strand). VCF-style: chr10-60278806-T-C. GRCh37 (hg19) VCF-style: chr10-62038564-T-C.
Other names: c.364A>G, p.Thr122Ala (NM_001204403.2); c.331A>G, p.Thr111Ala (NM_001204404.2); c.382A>G, p.Thr128Ala (NM_001320874.2); short protein forms T122A, T128A, T111A.
Identifiers: ClinVar variation 128369 (VCV000128369.20), dbSNP rs114937210, ClinGen allele CA151787.

ClinVar aggregate classification (germline): Benign/Likely benign. Review status: criteria provided, multiple submitters, no conflicts (2 of 4 stars). 5 submissions from 5 submitters: Benign (1); Likely benign (2). 2 of the submissions do not count toward it. Last evaluated 2026-01-19.

Conditions:
ANK3-related disorder. Also called: ANK3-related condition.

Allele frequency attached by ClinVar (database versions not stated): gnomAD exomes 0.00095 and 0.00262; ExAC 0.00306; gnomAD 0.01024 and 0.01080; 1000 Genomes Project 0.01078; 1000 Genomes Project 30x 0.01109; TOPMed 0.01156; ESP Exome Variant Server 0.01199.
gnomAD v4.1: 3,000 of 1,613,940 alleles (0.19%); highest among the groups gnomAD compares: African/African-American, 3.6%; 71 homozygotes.

Submissions (5):

Labcorp Genetics (formerly Invitae), Labcorp
Classification: Benign. Last evaluated: 2026-01-19. Review status: criteria provided, single submitter. Criteria: Invitae Variant Classification Sherloc (09022015). Collection method: clinical testing. Allele origin: germline.

Center for Pediatric Genomic Medicine, Children's Mercy Hospital and Clinics
Classification: Likely benign. Last evaluated: 2017-08-11. Review status: criteria provided, single submitter. Criteria: ACMG Guidelines, 2015. Collection method: clinical testing. Allele origin: germline.

Breakthrough Genomics
Classification: Likely benign. Review status: criteria provided, single submitter. Criteria: ACMG Guidelines, 2015. Collection method: not provided. Allele origin: germline. Inheritance: Autosomal recessive inheritance. Affected: yes.

PreventionGenetics, part of Exact Sciences
Classification: Benign for ANK3-related condition. Last evaluated: 2021-08-09. Review status: no assertion criteria provided. Collection method: clinical testing. Allele origin: germline. Not counted in ClinVar's aggregate classification.
Comment: This variant is classified as benign based on ACMG/AMP sequence variant interpretation guidelines (Richards et al. 2015 PMID: 25741868, with internal and published modifications).

Genetic Services Laboratory, University of Chicago
Classification: Likely benign for AllHighlyPenetrant. Review status: no assertion criteria provided. Collection method: clinical testing. Allele origin: germline. Inheritance: Autosomal recessive inheritance. Not counted in ClinVar's aggregate classification.
Comment: Likely benign based on allele frequency in 1000 Genomes Project or ESP global frequency and its presence in a patient with a rare or unrelated disease phenotype. NOT Sanger confirmed.